The following is an entry in ClinVar:

ClinVar aggregate classification (germline): Likely pathogenic. Review status: criteria provided, single submitter (1 of 4 stars). 2 submissions from 2 submitters: Likely pathogenic (1). 1 of the submissions does not count toward it. Last evaluated 2018-04-16.

Conditions:
Extraoral halitosis due to methanethiol oxidase deficiency. Also called: METHANETHIOL OXIDASE DEFICIENCY; MTO DEFICIENCY; EXTRAORAL HALITOSIS WITH DIMETHYLSULFOXIDURIA. Identifiers: Orphanet 562538, MedGen C4748387, MONDO:0029144, OMIM 618148.
Extra oral halitosis.

Allele frequency attached by ClinVar (database versions not stated): TOPMed 0.00002.
gnomAD v4.1: 34 of 1,613,344 alleles (0.0021%); highest among the groups gnomAD compares: Non-Finnish European, 0.0028%; no homozygotes.

Submissions (2):

SIB Swiss Institute of Bioinformatics
Classification: Likely pathogenic for Extra oral halitosis. Last evaluated: 2018-04-16. Review status: criteria provided, single submitter. Criteria: ACMG Guidelines, 2015. Collection method: curation. Allele origin: germline.
Comment: This variant is interpreted as a Likely Pathogenic, for Extraoral halitosis, Autosomal Recessive inheritance. The following ACMG Tag(s) were applied: PM2 => Absent from controls (or at extremely low frequency if recessive) in Exome Sequencing Project, 1000 Genomes Project, or Exome Aggregation Consortium. PP3 => Multiple lines of computational evidence support a deleterious effect on the gene or gene product. PS3 => Well-established functional studies show a deleterious effect (PMID:29255262).

OMIM
Classification: Pathogenic for EXTRAORAL HALITOSIS DUE TO METHANETHIOL OXIDASE DEFICIENCY. Last evaluated: 2018-10-12. Review status: no assertion criteria provided. Collection method: literature only. Allele origin: germline. Not counted in ClinVar's aggregate classification.

Literature cited by the submitters: PubMed 29255262 (cited by SIB Swiss Institute of Bioinformatics and OMIM); Hamosh, A. Personal Communication. 2018. Baltimore, Md. (cited by OMIM).

NM_003944.4(SELENBP1):c.673G>T (p.Gly225Trp)

Gene: SELENBP1 (selenium binding protein 1; minus strand). Cytogenetic location: 1q21.3.
Variant type: single nucleotide variant.
Coding change: c.673G>T on transcript NM_003944.4 (MANE Select); coding-DNA position 673, G replaced by T.
Protein change: p.Gly225Trp; replaces glycine 225 with tryptophan.
Molecular consequence: missense variant.
Genome position (GRCh38, 1-based): chr1:151,366,445, C>A on the plus strand (G>T on the coding strand, the complement: SELENBP1 is on the minus strand). VCF-style: chr1-151366445-C-A. GRCh37 (hg19) VCF-style: chr1-151338921-C-A.
Other names: NM_001258288.1:c.487G>T(p.Gly163Trp); NM_001258289.1:c.799G>T(p.Gly267Trp); NM_003944.3:c.673G>T(p.Gly225Trp); c.487G>T, p.Gly163Trp (NM_001258288.2); c.799G>T, p.Gly267Trp (NM_001258289.2); short protein forms G163W, G225W, G267W.
Identifiers: ClinVar variation 549486 (VCV000549486.1), dbSNP rs758495626, ClinGen allele CA341962423.